The following is an entry in ClinVar:

ClinVar aggregate classification (germline): Uncertain significance (1 of 4 stars; one submission).

Conditions:
Immunodeficiency 35 (IMD35). Also called: Susceptibility to infection due to TYK2 deficiency; HIES WITH ATYPICAL MYCOBACTERIOSIS, AUTOSOMAL RECESSIVE; HYPER-IgE SYNDROME WITH ATYPICAL MYCOBACTERIOSIS, AUTOSOMAL RECESSIVE; TYK2 DEFICIENCY. Identifiers: Orphanet 331226, MedGen C1969086, MONDO:0012682, OMIM 611521.

gnomAD v4.1: 1 of 1,614,012 alleles (0.000062%); highest among the groups gnomAD compares: Non-Finnish European, 0.000085%; no homozygotes.

Submission:

Labcorp Genetics (formerly Invitae), Labcorp
Classification: Uncertain significance for Immunodeficiency 35. Last evaluated: 2022-02-09. Review status: criteria provided, single submitter. Criteria: Invitae Variant Classification Sherloc (09022015). Collection method: clinical testing. Allele origin: germline.
Comment: In summary, the available evidence is currently insufficient to determine the role of this variant in disease. Therefore, it has been classified as a Variant of Uncertain Significance. Algorithms developed to predict the effect of missense changes on protein structure and function are either unavailable or do not agree on the potential impact of this missense change (SIFT: "Not Available"; PolyPhen-2: "Probably Damaging"; Align-GVGD: "Not Available"). This variant has not been reported in the literature in individuals affected with TYK2-related conditions. This variant is not present in population databases (gnomAD no frequency). This sequence change replaces leucine, which is neutral and non-polar, with valine, which is neutral and non-polar, at codon 903 of the TYK2 protein (p.Leu903Val).

NM_003331.5(TYK2):c.2707C>G (p.Leu903Val)

Gene: TYK2 (tyrosine kinase 2; minus strand). Cytogenetic location: 19p13.2.
Variant type: single nucleotide variant.
Coding change: c.2707C>G on transcript NM_003331.5 (MANE Select); coding-DNA position 2707, C replaced by G.
Protein change: p.Leu903Val; replaces leucine 903 with valine.
Molecular consequence: missense variant.
Genome position (GRCh38, 1-based): chr19:10,354,520, G>C on the plus strand (C>G on the coding strand, the complement: TYK2 is on the minus strand). VCF-style: chr19-10354520-G-C. GRCh37 (hg19) VCF-style: chr19-10465196-G-C.
Other names: c.2707C>G, p.Leu903Val (NM_001385197.1, NM_001385198.1, NM_001406461.1); c.2521C>G, p.Leu841Val (NM_001385199.1); c.2704C>G, p.Leu902Val (NM_001385200.1); c.2509C>G, p.Leu837Val (NM_001385201.1); c.2623C>G, p.Leu875Val (NM_001385202.1); c.2788C>G, p.Leu930Val (NM_001385203.1); c.2917C>G, p.Leu973Val (NM_001385204.1); c.2617C>G, p.Leu873Val (NM_001385205.1); and 2 more; short protein forms L837V, L873V, L841V, L903V, L930V, L861V, L902V, L973V.
Identifiers: ClinVar variation 2093405 (VCV002093405.4), dbSNP rs1263817677, ClinGen allele CA403989630.